The following is an entry in ClinVar:

NM_000038.6(APC):c.5050T>C (p.Phe1684Leu)

Gene: APC (APC regulator of Wnt signaling pathway; plus strand). Cytogenetic location: 5q22.2.
Variant type: single nucleotide variant.
Coding change: c.5050T>C on transcript NM_000038.6 (MANE Select); coding-DNA position 5050, T replaced by C.
Protein change: p.Phe1684Leu; replaces phenylalanine 1684 with leucine.
Molecular consequence: missense variant.
Genome position (GRCh38, 1-based): chr5:112,840,644, T>C. VCF-style: chr5-112840644-T-C. GRCh37 (hg19) VCF-style: chr5-112176341-T-C.
Other names: c.5050T>C, p.Phe1684Leu (NM_001127510.3, NM_001354895.2); c.4996T>C, p.Phe1666Leu (NM_001127511.3); c.5104T>C, p.Phe1702Leu (NM_001354896.2); c.5080T>C, p.Phe1694Leu (NM_001354897.2); c.4975T>C, p.Phe1659Leu (NM_001354898.2); c.4966T>C, p.Phe1656Leu (NM_001354899.2); c.4927T>C, p.Phe1643Leu (NM_001354900.2); c.4873T>C, p.Phe1625Leu (NM_001354901.2); and 5 more; short protein forms F1684L, F1666L, F1524L, F1558L, F1694L, F1702L, F1625L, F1659L.
Identifiers: ClinVar variation 350413 (VCV000350413.30), dbSNP rs886059795, ClinGen allele CA10618781.

ClinVar aggregate classification (germline): Uncertain significance. Review status: criteria provided, multiple submitters, no conflicts (2 of 4 stars). 7 submissions from 7 submitters: Uncertain significance (7). Last evaluated 2026-03-11.

Conditions:
Hereditary cancer-predisposing syndrome. Also called: Hereditary neoplastic syndrome; Tumor predisposition; Hereditary Cancer Syndrome; Neoplastic Syndromes, Hereditary. Identifiers: Orphanet 140162, MedGen C0027672, MeSH D009386, MONDO:0015356.
Familial adenomatous polyposis 1 (FAP1). Also called: FAMILIAL ADENOMATOUS POLYPOSIS 1, ATTENUATED; POLYPOSIS, ADENOMATOUS INTESTINAL. Identifiers: MedGen C2713442, MONDO:0021056, OMIM 175100. Disease mechanism: loss of function.
Classic or attenuated familial adenomatous polyposis. Identifiers: MedGen CN372698, MONDO:0021057.

Allele frequency attached by ClinVar (database versions not stated): gnomAD exomes below 0.00001.
gnomAD v4.1: 1 of 1,613,906 alleles (0.000062%); highest among the groups gnomAD compares: Non-Finnish European, 0.000085%; no homozygotes.

Submissions (7):

Ambry Genetics
Classification: Uncertain significance for Hereditary cancer-predisposing syndrome. Last evaluated: 2026-03-11. Review status: criteria provided, single submitter. Criteria: Ambry Variant Classification Scheme 2023. Collection method: clinical testing. Allele origin: germline.

Labcorp Genetics (formerly Invitae), Labcorp
Classification: Uncertain significance for Familial adenomatous polyposis 1. Last evaluated: 2025-12-03. Review status: criteria provided, single submitter. Criteria: Invitae Variant Classification Sherloc (09022015). Collection method: clinical testing. Allele origin: germline.
Comment: This sequence change replaces phenylalanine, which is neutral and non-polar, with leucine, which is neutral and non-polar, at codon 1684 of the APC protein (p.Phe1684Leu). This variant is not present in population databases (gnomAD no frequency). This variant has not been reported in the literature in individuals affected with APC-related conditions. ClinVar contains an entry for this variant (Variation ID: 350413). Invitae Evidence Modeling of protein sequence and biophysical properties (such as structural, functional, and spatial information, amino acid conservation, physicochemical variation, residue mobility, and thermodynamic stability) indicates that this missense variant is not expected to disrupt APC protein function with a negative predictive value of 95%. In summary, the available evidence is currently insufficient to determine the role of this variant in disease. Therefore, it has been classified as a Variant of Uncertain Significance.

All of Us Research Program, National Institutes of Health
Classification: Uncertain significance for Classic or attenuated familial adenomatous polyposis. Last evaluated: 2024-03-24. Review status: criteria provided, single submitter. Criteria: ACMG Guidelines, 2015. Collection method: clinical testing. Allele origin: germline. Inheritance: Autosomal dominant inheritance. Observed: 1 variant allele, 1 heterozygote.
Comment: This missense variant replaces phenylalanine with leucine at codon 1684 of the APC protein. Computational prediction tool suggests that this variant may not impact protein structure and function (internally defined REVEL score threshold <=0.5, PMID: 27666373). Splice site prediction tools suggest that this variant may not impact RNA splicing. To our knowledge, functional studies have not been performed for this variant. This variant has not been reported in individuals affected with hereditary cancer in the literature. This variant has not been identified in the general population by the Genome Aggregation Database (gnomAD). The available evidence is insufficient to determine the role of this variant in disease conclusively. Therefore, this variant is classified as a Variant of Uncertain Significance.

This study involves interpretation of variants in research participants for the purpose of population health screening. Participant phenotype was not available at the time of variant classification. Additional details can be found in publication PMID: 35346344, PMCID: PMC8962531

Color Diagnostics, LLC DBA Color Health
Classification: Uncertain significance for Hereditary cancer-predisposing syndrome. Last evaluated: 2024-03-06. Review status: criteria provided, single submitter. Criteria: ACMG Guidelines, 2015. Collection method: clinical testing. Allele origin: germline.
Comment: This missense variant replaces phenylalanine with leucine at codon 1684 of the APC protein. Computational prediction suggests that this variant may not impact protein structure and function (internally defined REVEL score threshold <= 0.5, PMID: 27666373). To our knowledge, functional studies have not been reported for this variant. This variant has not been reported in individuals affected with APC-related disorders in the literature. This variant has not been identified in the general population by the Genome Aggregation Database (gnomAD). The available evidence is insufficient to determine the role of this variant in disease conclusively. Therefore, this variant is classified as a Variant of Uncertain Significance.

Blueprint Genetics
Classification: Uncertain significance. Last evaluated: 2023-11-28. Review status: criteria provided, single submitter. Criteria: ACMG Guidelines, 2015. Collection method: clinical testing. Allele origin: germline.

Institute for Biomarker Research, Medical Diagnostic Laboratories, L.L.C.
Classification: Uncertain significance for Hereditary cancer-predisposing syndrome. Last evaluated: 2023-03-21. Review status: criteria provided, single submitter. Criteria: ACMG Guidelines, 2015. Collection method: clinical testing. Allele origin: germline.

Quest Diagnostics Nichols Institute San Juan Capistrano
Classification: Uncertain significance. Last evaluated: 2018-11-29. Review status: criteria provided, single submitter. Criteria: Quest Diagnostics criteria. Collection method: clinical testing. Allele origin: germline.